The following is an entry in ClinVar:

NM_006440.5(TXNRD2):c.311G>A (p.Gly104Glu)

Gene: TXNRD2 (thioredoxin reductase 2; minus strand). Cytogenetic location: 22q11.21.
Variant type: single nucleotide variant.
Coding change: c.311G>A on transcript NM_006440.5 (MANE Select); coding-DNA position 311, G replaced by A.
Protein change: p.Gly104Glu; replaces glycine 104 with glutamic acid.
Molecular consequence: missense variant. On other transcripts: non-coding transcript variant (1).
Genome position (GRCh38, 1-based): chr22:19,918,923, C>T on the plus strand (G>A on the coding strand, the complement: TXNRD2 is on the minus strand). VCF-style: chr22-19918923-C-T. GRCh37 (hg19) VCF-style: chr22-19906446-C-T.
Other names: c.311G>A, p.Gly104Glu (NM_001282512.3); c.308G>A, p.Gly103Glu (NM_001352300.2); c.221G>A, p.Gly74Glu (NM_001352301.2); c.23G>A, p.Gly8Glu (NM_001352302.2); c.215G>A, p.Gly72Glu (NM_001352303.2); short protein forms G103E, G72E, G8E, G104E, G74E.
Identifiers: ClinVar variation 3330398 (VCV003330398.1).

ClinVar aggregate classification (germline): Uncertain significance (1 of 4 stars; one submission).

Conditions:
Cardiovascular phenotype. Identifiers: MedGen CN230736.

gnomAD v4.1: 3 of 1,613,048 alleles (0.00019%); highest among the groups gnomAD compares: South Asian, 0.0011%; no homozygotes.

Submission:

Ambry Genetics
Classification: Uncertain significance for Cardiovascular phenotype. Last evaluated: 2024-03-22. Review status: criteria provided, single submitter. Criteria: Ambry Variant Classification Scheme 2023. Collection method: clinical testing. Allele origin: germline.
Comment: The p.G104E variant (also known as c.311G>A), located in coding exon 4 of the TXNRD2 gene, results from a G to A substitution at nucleotide position 311. The glycine at codon 104 is replaced by glutamic acid, an amino acid with similar properties. This amino acid position is conserved. In addition, this alteration is predicted to be deleterious by in silico analysis. Based on the available evidence, the clinical significance of this alteration remains unclear.